The following is an entry in ClinVar:

NM_000289.6(PFKM):c.2086C>T (p.Arg696Cys)

Gene: PFKM (phosphofructokinase, muscle; plus strand). Cytogenetic location: 12q13.11.
Variant type: single nucleotide variant.
Coding change: c.2086C>T on transcript NM_000289.6 (MANE Select); coding-DNA position 2086, C replaced by T.
Protein change: p.Arg696Cys; replaces arginine 696 with cysteine.
Molecular consequence: missense variant. On other transcripts: non-coding transcript variant (6).
Genome position (GRCh38, 1-based): chr12:48,145,124, C>T. VCF-style: chr12-48145124-C-T. GRCh37 (hg19) VCF-style: chr12-48538907-C-T.
Other names: c.2299C>T, p.Arg767Cys (NM_001166686.2, NM_001354737.1, NM_001354738.1 and 1 more transcripts); c.2086C>T, p.Arg696Cys (NM_001166687.2, NM_001166688.2, NM_001354742.2 and 2 more transcripts); c.2395C>T, p.Arg799Cys (NM_001354735.1, NM_001354736.1); c.2230C>T, p.Arg744Cys (NM_001354740.1); c.2110C>T, p.Arg704Cys (NM_001354741.2); c.1999C>T, p.Arg667Cys (NM_001354745.2); c.1960C>T, p.Arg654Cys (NM_001354746.2); c.1936C>T, p.Arg646Cys (NM_001354747.2, NM_001354748.2); and 1 more; short protein forms R654C, R665C, R646C, R667C, R744C, R696C, R704C, R799C.
Identifiers: ClinVar variation 2163105 (VCV002163105.1), dbSNP rs776376691, ClinGen allele CA6537525.
Genomic context (GRCh38, chr12:48,145,124, plus strand): 5'-GCCACTAAGATGGGCGCCAAGGCTATGAACTGGATGTCTGGGAAAATCAAAGAGAGTTAC[C>T]GTAATGGTAGGTGGGGTGAGAGCGAGTGCCCTCTATAGAGGCTGGTTCCCCAGTATAGAA-3'
Protein context (NP_000280.1, residues 686-706): WMSGKIKESY[Arg696Cys]NGRIFANTPD

ClinVar aggregate classification (germline): Uncertain significance (1 of 4 stars; one submission).

Conditions:
Glycogen storage disease, type VII (GSD7). Also called: MUSCLE PHOSPHOFRUCTOKINASE DEFICIENCY; PFKM DEFICIENCY; TARUI DISEASE; GSD VII. Identifiers: Orphanet 371, MedGen C0017926, MONDO:0009295, OMIM 232800.

Allele frequency attached by ClinVar (database versions not stated): gnomAD 0.00001; TOPMed 0.00003.
gnomAD v4.1: 75 of 1,613,546 alleles (0.0046%); highest among the groups gnomAD compares: Non-Finnish European, 0.0058%; no homozygotes.

Submission:

Labcorp Genetics (formerly Invitae), Labcorp
Classification: Uncertain significance for Glycogen storage disease, type VII. Last evaluated: 2022-03-13. Review status: criteria provided, single submitter. Criteria: Invitae Variant Classification Sherloc (09022015). Collection method: clinical testing. Allele origin: germline.
Comment: This sequence change replaces arginine, which is basic and polar, with cysteine, which is neutral and slightly polar, at codon 696 of the PFKM protein (p.Arg696Cys). This variant is present in population databases (rs776376691, gnomAD 0.006%). This variant has not been reported in the literature in individuals affected with PFKM-related conditions. Algorithms developed to predict the effect of missense changes on protein structure and function are either unavailable or do not agree on the potential impact of this missense change (SIFT: "Deleterious"; PolyPhen-2: "Probably Damaging"; Align-GVGD: "Class C0"). In summary, the available evidence is currently insufficient to determine the role of this variant in disease. Therefore, it has been classified as a Variant of Uncertain Significance.